The following is an entry in ClinVar:

NM_000135.4(FANCA):c.3778C>T (p.Leu1260Phe)

Genes: FANCA (FA complementation group A; minus strand), ZNF276 (zinc finger protein 276; plus strand). Cytogenetic location: 16q24.3.
Variant type: single nucleotide variant.
Coding change: c.3778C>T on transcript NM_000135.4 (MANE Select); coding-DNA position 3778, C replaced by T.
Protein change: p.Leu1260Phe; replaces leucine 1260 with phenylalanine.
Molecular consequence: missense variant. On other transcripts: 3 prime UTR variant (2), non-coding transcript variant (4).
Genome position (GRCh38, 1-based): chr16:89,740,854, G>A on the plus strand (C>T on the coding strand, the complement: FANCA is on the minus strand). VCF-style: chr16-89740854-G-A. GRCh37 (hg19) VCF-style: chr16-89807262-G-A.
Other names: c.3778C>T, p.Leu1260Phe (NM_001286167.3); c.*2608G>A (NM_001113525.2, NM_152287.4); short protein forms L1260F.
Identifiers: ClinVar variation 4022279 (VCV004022279.1).

ClinVar aggregate classification (germline): Uncertain significance (1 of 4 stars; one submission).

Conditions:
Inborn genetic diseases. Identifiers: MedGen C0950123, MeSH D030342.

gnomAD v4.1: 1 of 1,613,096 alleles (0.000062%); highest among the groups gnomAD compares: Non-Finnish European, 0.000085%; no homozygotes.

Submission:

Ambry Genetics
Classification: Uncertain significance for Inborn genetic diseases. Last evaluated: 2025-05-17. Review status: criteria provided, single submitter. Criteria: Ambry Variant Classification Scheme 2023. Collection method: clinical testing. Allele origin: germline.
Comment: The p.L1260F variant (also known as c.3778C>T), located in coding exon 38 of the FANCA gene, results from a C to T substitution at nucleotide position 3778. The leucine at codon 1260 is replaced by phenylalanine, an amino acid with highly similar properties. This amino acid position is conserved. In addition, the in silico prediction for this alteration is inconclusive. Based on the available evidence, the clinical significance of this variant remains unclear.